The following is an entry in ClinVar:

ClinVar aggregate classification (germline): Pathogenic (1 of 4 stars; one submission).

Conditions:
Glycogen storage disease IXb (GSD9B). Also called: PHOSPHORYLASE KINASE DEFICIENCY OF LIVER AND MUSCLE, AUTOSOMAL RECESSIVE; GLYCOGENOSIS OF LIVER AND MUSCLE, AUTOSOMAL RECESSIVE; GSD IXb. Identifiers: Orphanet 79240, MedGen C0543514, MONDO:0009868, OMIM 261750.

Submission:

Labcorp Genetics (formerly Invitae), Labcorp
Classification: Pathogenic for Glycogen storage disease IXb. Last evaluated: 2024-04-25. Review status: criteria provided, single submitter. Criteria: Invitae Variant Classification Sherloc (09022015). Collection method: clinical testing. Allele origin: germline.
Comment: This sequence change creates a premature translational stop signal (p.Tyr350*) in the PHKB gene. It is expected to result in an absent or disrupted protein product. Loss-of-function variants in PHKB are known to be pathogenic (PMID: 9215682, 9326319). This variant is not present in population databases (gnomAD no frequency). This variant has not been reported in the literature in individuals affected with PHKB-related conditions. Algorithms developed to predict the effect of sequence changes on RNA splicing suggest that this variant may disrupt the consensus splice site. For these reasons, this variant has been classified as Pathogenic.

Literature cited by the submitters: PubMed 9215682; PubMed 9326319.

NM_000293.3(PHKB):c.1049dup (p.Tyr350Ter)

Gene: PHKB (phosphorylase kinase regulatory subunit beta; plus strand). Cytogenetic location: 16q12.1.
Variant type: Duplication.
Coding change: c.1049dup on transcript NM_000293.3 (MANE Select); coding-DNA position 1049, one base duplicated (A; older notation c.1049dupA).
Protein change: p.Tyr350Ter; replaces tyrosine 350 with a stop codon.
Molecular consequence: nonsense.
Genome position (GRCh38, 1-based): chr16:47,589,083, A duplicated. VCF-style (leftmost placement, unchanged base first): chr16-47589082-T-TA. GRCh37 (hg19) VCF-style: chr16-47622993-T-TA.
Other names: c.1028dup, p.Tyr343Ter (NM_001031835.3); c.1049dup, p.Tyr350Ter (NM_001363837.1); short protein forms Y343*, Y350*.
Identifiers: ClinVar variation 3651003 (VCV003651003.2).